The following is an entry in ClinVar:

NM_003476.5(CSRP3):c.127G>T (p.Ala43Ser)

Gene: CSRP3 (cysteine and glycine rich protein 3; minus strand). Cytogenetic location: 11p15.1.
Variant type: single nucleotide variant.
Coding change: c.127G>T on transcript NM_003476.5 (MANE Select); coding-DNA position 127, G replaced by T.
Protein change: p.Ala43Ser; replaces alanine 43 with serine.
Molecular consequence: missense variant. On other transcripts: intron variant (1).
Genome position (GRCh38, 1-based): chr11:19,188,290, C>A on the plus strand (G>T on the coding strand, the complement: CSRP3 is on the minus strand). VCF-style: chr11-19188290-C-A. GRCh37 (hg19) VCF-style: chr11-19209837-C-A.
Other names: c.113-1942G>T (NM_001369404.1); short protein forms A43S.
Identifiers: ClinVar variation 835944 (VCV000835944.9), dbSNP rs1174058654, ClinGen allele CA379888418.

ClinVar aggregate classification (germline): Uncertain significance (1 of 4 stars; one submission).

Conditions:
Hypertrophic cardiomyopathy 12. Identifiers: MedGen C2677491, MONDO:0012804, OMIM 612124.
Dilated cardiomyopathy 1M (CMD1M). Identifiers: Orphanet 154, MedGen C1843808, MONDO:0011840, OMIM 607482.

Submission:

Labcorp Genetics (formerly Invitae), Labcorp
Classification: Uncertain significance for Hypertrophic cardiomyopathy 12; Dilated cardiomyopathy 1M. Last evaluated: 2026-01-28. Review status: criteria provided, single submitter. Criteria: Invitae Variant Classification Sherloc (09022015). Collection method: clinical testing. Allele origin: germline.
Comment: This sequence change replaces alanine, which is neutral and non-polar, with serine, which is neutral and polar, at codon 43 of the CSRP3 protein (p.Ala43Ser). This variant is not present in population databases (gnomAD no frequency). This variant has not been reported in the literature in individuals affected with CSRP3-related conditions. ClinVar contains an entry for this variant (Variation ID: 835944). An algorithm developed to predict the effect of missense changes on protein structure and function outputs the following: PolyPhen-2: "Benign". The serine amino acid residue is found in multiple mammalian species, which suggests that this missense change does not adversely affect protein function. In summary, the available evidence is currently insufficient to determine the role of this variant in disease. Therefore, it has been classified as a Variant of Uncertain Significance.